The following is an entry in ClinVar:

NM_001005242.3(PKP2):c.1367A>G (p.Lys456Arg)

Gene: PKP2 (plakophilin 2; minus strand). Cytogenetic location: 12p11.21.
Variant type: single nucleotide variant.
Coding change: c.1367A>G on transcript NM_001005242.3 (MANE Select); coding-DNA position 1367, A replaced by G.
Protein change: p.Lys456Arg; replaces lysine 456 with arginine.
Molecular consequence: missense variant.
Genome position (GRCh38, 1-based): chr12:32,850,777, T>C on the plus strand (A>G on the coding strand, the complement: PKP2 is on the minus strand). VCF-style: chr12-32850777-T-C. GRCh37 (hg19) VCF-style: chr12-33003711-T-C.
Other names: p.K456R:AAA>AGA; c.1367A>G, p.Lys456Arg (NM_004572.4); short protein forms K456R.
Identifiers: ClinVar variation 201982 (VCV000201982.12), dbSNP rs750897570, ClinGen allele CA010979.

ClinVar aggregate classification (germline): Uncertain significance. Review status: criteria provided, multiple submitters, no conflicts (2 of 4 stars). 2 submissions from 2 submitters: Uncertain significance (2). Last evaluated 2019-12-13.

Conditions:
Arrhythmogenic right ventricular dysplasia 9 (ARVD9). Also called: ARRHYTHMOGENIC RIGHT VENTRICULAR DYSPLASIA, FAMILIAL, 9; Arrhythmogenic Right Ventricular Dysplasia/Cardiomyopathy 9. Identifiers: MedGen C1836906, MONDO:0012180, OMIM 609040.

Allele frequency attached by ClinVar (database versions not stated): gnomAD exomes below 0.00001; ExAC 0.00001.
gnomAD v4.1: 1 of 1,612,336 alleles (0.000062%); highest among the groups gnomAD compares: Non-Finnish European, 0.000085%; no homozygotes.

Submissions (2):

Labcorp Genetics (formerly Invitae), Labcorp
Classification: Uncertain significance for Arrhythmogenic right ventricular dysplasia 9. Last evaluated: 2019-12-13. Review status: criteria provided, single submitter. Criteria: Invitae Variant Classification Sherloc (09022015). Collection method: clinical testing. Allele origin: germline.
Comment: This variant has not been reported in the literature in individuals with PKP2-related conditions. ClinVar contains an entry for this variant (Variation ID: 201982). This variant is present in population databases (rs750897570, ExAC 0.002%). This sequence change replaces lysine with arginine at codon 456 of the PKP2 protein (p.Lys456Arg). The lysine residue is moderately conserved and there is a small physicochemical difference between lysine and arginine. Algorithms developed to predict the effect of missense changes on protein structure and function (SIFT, PolyPhen-2, Align-GVGD) all suggest that this variant is likely to be tolerated, but these predictions have not been confirmed by published functional studies and their clinical significance is uncertain. In summary, the available evidence is currently insufficient to determine the role of this variant in disease. Therefore, it has been classified as a Variant of Uncertain Significance.

GeneDx
Classification: Uncertain significance. Last evaluated: 2017-02-01. Review status: criteria provided, single submitter. Criteria: GeneDx Variant Classification (06012015). Collection method: clinical testing. Allele origin: germline. Affected: yes.
Comment: p.Lys456Arg (AAA>AGA): c.1367 A>G in exon 5 of the PKP2 gene (NM_004572.3). The K456R variant has not been published as a mutation, nor has it been reported as a benign polymorphism to our knowledge. The K456R variant was not observed in approximately 6500 individuals of European and African American ancestry in the NHLBI Exome Sequencing Project, indicating it is not a common benign variant in these populations. The K456R variant is a conservative amino acid substitution, which is not likely to impact secondary protein structure as these residues share similar properties. This substitution occurs at a position that is conserved across species. In silico analysis predicts this variant likely does not alter the protein structure/function. No reported nearby missense mutations have been reported. Therefore, based on the currently available information, it is unclear whether this variant is a pathogenic mutation or a rare benign variant. The variant is found in ARVC panel(s).